The following is an entry in ClinVar:

ClinVar aggregate classification (germline): Uncertain significance (1 of 4 stars; one submission).

Conditions:
WDPCP-related disorder. Also called: WDPCP-related condition.

gnomAD v4.1: 1 of 1,613,824 alleles (0.000062%); highest among the groups gnomAD compares: African/African-American, 0.0013%; no homozygotes.

Submission:

PreventionGenetics, part of Exact Sciences
Classification: Uncertain significance for WDPCP-related condition. Last evaluated: 2025-01-15. Review status: criteria provided, single submitter. Criteria: ACMG Guidelines, 2015. Collection method: clinical testing. Allele origin: germline.
Comment: The WDPCP c.688G>A variant is predicted to result in the amino acid substitution p.Ala230Thr. To our knowledge, this variant has not been reported in the literature or in a large population database (gnomAD), indicating this variant is rare. At this time, the clinical significance of this variant is uncertain due to the absence of conclusive functional and genetic evidence.

NM_015910.7(WDPCP):c.688G>A (p.Ala230Thr)

Gene: WDPCP (WD repeat containing planar cell polarity effector; minus strand). Cytogenetic location: 2p15.
Variant type: single nucleotide variant.
Coding change: c.688G>A on transcript NM_015910.7 (MANE Select); coding-DNA position 688, G replaced by A.
Protein change: p.Ala230Thr; replaces alanine 230 with threonine.
Molecular consequence: missense variant. On other transcripts: non-coding transcript variant (3).
Genome position (GRCh38, 1-based): chr2:63,433,882, C>T on the plus strand (G>A on the coding strand, the complement: WDPCP is on the minus strand). VCF-style: chr2-63433882-C-T. GRCh37 (hg19) VCF-style: chr2-63661016-C-T.
Other names: c.211G>A, p.Ala71Thr (NM_001042692.3); c.616G>A, p.Ala206Thr (NM_001354044.2); c.688G>A, p.Ala230Thr (NM_001354045.2); short protein forms A206T, A230T, A71T.
Identifiers: ClinVar variation 4977300 (VCV004977300.1).